The following is an entry in ClinVar:

NM_000135.4(FANCA):c.260C>T (p.Ala87Val)

Gene: FANCA (FA complementation group A; minus strand). Cytogenetic location: 16q24.3.
Variant type: single nucleotide variant.
Coding change: c.260C>T on transcript NM_000135.4 (MANE Select); coding-DNA position 260, C replaced by T.
Protein change: p.Ala87Val; replaces alanine 87 with valine.
Molecular consequence: missense variant.
Genome position (GRCh38, 1-based): chr16:89,814,543, G>A on the plus strand (C>T on the coding strand, the complement: FANCA is on the minus strand). VCF-style: chr16-89814543-G-A. GRCh37 (hg19) VCF-style: chr16-89880951-G-A.
Other names: c.260C>T, p.Ala87Val (NM_001018112.3, NM_001286167.3, NM_001351830.2); short protein forms A87V.
Identifiers: ClinVar variation 4532865 (VCV004532865.1).

ClinVar aggregate classification (germline): Uncertain significance (1 of 4 stars; one submission).

gnomAD v4.1: 1 of 1,612,998 alleles (0.000062%); highest among the groups gnomAD compares: Admixed American, 0.0017%; no homozygotes.

Submission:

Quest Diagnostics Nichols Institute San Juan Capistrano
Classification: Uncertain significance. Last evaluated: 2025-11-07. Review status: criteria provided, single submitter. Criteria: Quest Diagnostics criteria. Collection method: clinical testing. Allele origin: unknown.
Comment: The FANCA c.260C>T (p.Ala87Val) variant has not been reported in individuals with FANCA-related conditions in the published literature. The frequency of this variant in the general population (Genome Aggregation Database) is uninformative in the assessment of its pathogenicity. Analysis of this variant using bioinformatics tools for the prediction of the effect of amino acid changes on protein structure and function yielded predictions that this variant is benign. Based on the available information, we are unable to determine the clinical significance of this variant.